The following is an entry in ClinVar:

ClinVar aggregate classification (germline): Uncertain significance. Review status: criteria provided, multiple submitters, no conflicts (2 of 4 stars). 2 submissions from 2 submitters: Uncertain significance (2). Last evaluated 2024-12-19.

Conditions:
Aortic aneurysm, familial thoracic 7 (AAT7). Also called: AORTIC DISSECTION, FAMILIAL, WITH OR WITHOUT AORTIC ANEURYSM. Identifiers: MedGen C3151077, MONDO:0013418, OMIM 613780.

Allele frequency attached by ClinVar (database versions not stated): ExAC 0.00001; TOPMed 0.00001; gnomAD 0.00002.
gnomAD v4.1: 5 of 1,614,116 alleles (0.00031%); highest among the groups gnomAD compares: Non-Finnish European, 0.00034%; no homozygotes.

Submissions (2):

Labcorp Genetics (formerly Invitae), Labcorp
Classification: Uncertain significance for Aortic aneurysm, familial thoracic 7. Last evaluated: 2024-12-19. Review status: criteria provided, single submitter. Criteria: Invitae Variant Classification Sherloc (09022015). Collection method: clinical testing. Allele origin: germline.
Comment: This sequence change replaces lysine, which is basic and polar, with asparagine, which is neutral and polar, at codon 5 of the MYLK protein (p.Lys5Asn). This variant is present in population databases (rs777696799, gnomAD 0.002%). This variant has not been reported in the literature in individuals affected with MYLK-related conditions. ClinVar contains an entry for this variant (Variation ID: 963882). Invitae Evidence Modeling of protein sequence and biophysical properties (such as structural, functional, and spatial information, amino acid conservation, physicochemical variation, residue mobility, and thermodynamic stability) indicates that this missense variant is not expected to disrupt MYLK protein function with a negative predictive value of 95%. In summary, the available evidence is currently insufficient to determine the role of this variant in disease. Therefore, it has been classified as a Variant of Uncertain Significance.

GeneDx
Classification: Uncertain significance. Last evaluated: 2023-11-22. Review status: criteria provided, single submitter. Criteria: GeneDx Variant Classification Process June 2021. Collection method: clinical testing. Allele origin: germline. Affected: yes.
Comment: Has not been previously published as pathogenic or benign to our knowledge; Not observed at significant frequency in large population cohorts (gnomAD); In silico analysis supports that this missense variant does not alter protein structure/function

NM_053025.4(MYLK):c.15G>T (p.Lys5Asn)

Gene: MYLK (myosin light chain kinase; minus strand). Cytogenetic location: 3q21.1.
Variant type: single nucleotide variant.
Coding change: c.15G>T on transcript NM_053025.4 (MANE Select); coding-DNA position 15, G replaced by T.
Protein change: p.Lys5Asn; replaces lysine 5 with asparagine.
Molecular consequence: missense variant. On other transcripts: 5 prime UTR variant (1).
Genome position (GRCh38, 1-based): chr3:123,793,827, C>A on the plus strand (G>T on the coding strand, the complement: MYLK is on the minus strand). VCF-style: chr3-123793827-C-A. GRCh37 (hg19) VCF-style: chr3-123512674-C-A.
Other names: c.-306G>T (NM_001321309.2); c.15G>T, p.Lys5Asn (NM_053026.4, NM_053027.4, NM_053028.4); short protein forms K5N.
Identifiers: ClinVar variation 963882 (VCV000963882.10), dbSNP rs777696799, ClinGen allele CA067577.